The following is an entry in ClinVar:

ClinVar aggregate classification (germline): Uncertain significance (1 of 4 stars; one submission).

Conditions:
Chédiak-Higashi syndrome (CHS). Also called: Chediak-Higashi Syndrome. Identifiers: Orphanet 167, MedGen C0007965, MONDO:0008963, OMIM 214500.

Allele frequency attached by ClinVar (database versions not stated): ExAC 0.00001; gnomAD 0.00001; gnomAD exomes 0.00001; TOPMed 0.00001.
gnomAD v4.1: 23 of 1,613,710 alleles (0.0014%); highest among the groups gnomAD compares: Non-Finnish European, 0.0019%; no homozygotes.

Submission:

Labcorp Genetics (formerly Invitae), Labcorp
Classification: Uncertain significance for Chédiak-Higashi syndrome. Last evaluated: 2022-04-26. Review status: criteria provided, single submitter. Criteria: Invitae Variant Classification Sherloc (09022015). Collection method: clinical testing. Allele origin: germline.
Comment: This sequence change replaces threonine, which is neutral and polar, with isoleucine, which is neutral and non-polar, at codon 150 of the LYST protein (p.Thr150Ile). This variant is present in population databases (rs200787730, gnomAD 0.0009%). This variant has not been reported in the literature in individuals affected with LYST-related conditions. Algorithms developed to predict the effect of missense changes on protein structure and function are either unavailable or do not agree on the potential impact of this missense change (SIFT: "Tolerated"; PolyPhen-2: "Probably Damaging"; Align-GVGD: "Class C0"). In summary, the available evidence is currently insufficient to determine the role of this variant in disease. Therefore, it has been classified as a Variant of Uncertain Significance.

NM_000081.4(LYST):c.449C>T (p.Thr150Ile)

Gene: LYST (lysosomal trafficking regulator; minus strand). Cytogenetic location: 1q42.3.
Variant type: single nucleotide variant.
Coding change: c.449C>T on transcript NM_000081.4 (MANE Select); coding-DNA position 449, C replaced by T.
Protein change: p.Thr150Ile; replaces threonine 150 with isoleucine.
Molecular consequence: missense variant.
Genome position (GRCh38, 1-based): chr1:235,810,369, G>A on the plus strand (C>T on the coding strand, the complement: LYST is on the minus strand). VCF-style: chr1-235810369-G-A. GRCh37 (hg19) VCF-style: chr1-235973669-G-A.
Other names: c.449C>T, p.Thr150Ile (NM_001301365.1); short protein forms T150I.
Identifiers: ClinVar variation 1925262 (VCV001925262.2), dbSNP rs200787730, ClinGen allele CA1467623.